The following is an entry in ClinVar:

ClinVar aggregate classification (germline): Pathogenic. Review status: criteria provided, multiple submitters, no conflicts (2 of 4 stars). 2 submissions from 2 submitters: Pathogenic (2). Last evaluated 2025-02-27.

Conditions:
Inborn genetic diseases. Identifiers: MedGen C0950123, MeSH D030342.

Submissions (2):

GeneDx
Classification: Pathogenic. Last evaluated: 2025-02-27. Review status: criteria provided, single submitter. Criteria: GeneDx Variant Classification Process June 2021. Collection method: clinical testing. Allele origin: germline. Affected: yes.
Comment: Nonsense variant predicted to result in protein truncation or nonsense mediated decay in a gene for which loss of function is a known mechanism of disease; Not observed at significant frequency in large population cohorts (gnomAD); This variant is associated with the following publications: (PMID: 34588003)

Ambry Genetics
Classification: Pathogenic for Inborn genetic diseases. Last evaluated: 2022-02-17. Review status: criteria provided, single submitter. Criteria: Ambry Variant Classification Scheme 2023. Collection method: clinical testing. Allele origin: germline.
Comment: The c.529C>T (p.Q177*) alteration, located in exon 10 (coding exon 5) of the FOXP1 gene, consists of a C to T substitution at nucleotide position 529. This changes the amino acid from a glutamine (Q) to a stop codon at amino acid position 177. This alteration is expected to result in loss of function by premature protein truncation or nonsense-mediated mRNA decay. This variant was not reported in population-based cohorts in the Genome Aggregation Database (gnomAD). Based on the available evidence, this alteration is classified as pathogenic.

NM_001349338.3(FOXP1):c.529C>T (p.Gln177Ter)

Gene: FOXP1 (forkhead box P1; minus strand). Cytogenetic location: 3p13.
Variant type: single nucleotide variant.
Coding change: c.529C>T on transcript NM_001349338.3 (MANE Select); coding-DNA position 529, C replaced by T.
Protein change: p.Gln177Ter; replaces glutamine 177 with a stop codon.
Molecular consequence: nonsense. On other transcripts: non-coding transcript variant (2).
Genome position (GRCh38, 1-based): chr3:71,047,077, G>A on the plus strand (C>T on the coding strand, the complement: FOXP1 is on the minus strand). VCF-style: chr3-71047077-G-A. GRCh37 (hg19) VCF-style: chr3-71096228-G-A.
Other names: c.529C>T, p.Gln177Ter (NM_001244808.3, NM_001244810.2, NM_001244814.3 and 3 more transcripts); c.301C>T, p.Gln101Ter (NM_001244812.3); c.229C>T, p.Gln77Ter (NM_001244813.3, NM_001244815.2, NM_001349342.3 and 1 more transcripts); c.226C>T, p.Gln76Ter (NM_001349337.2, NM_001349343.3, NM_001349344.3); c.526C>T, p.Gln176Ter (NM_001349341.3); short protein forms Q177*, Q101*, Q76*, Q77*, Q176*.
Identifiers: ClinVar variation 620469 (VCV000620469.4), dbSNP rs1559807265, ClinGen allele CA353563543.
Genomic context (GRCh38, chr3:71,047,077, plus strand): 5'-GGAGGTGCTGCTGCTGTAACTGCTGCATCTGTAAAAGCTGCTGCTGAAAAGCCAACTGCT[G>A]GGTAGCCACCTGCTGTTGCTGTAAGAAATCAGGAAGAAAAAATGAGATGGCCACTTCCCA-3'